The following is an entry in ClinVar:

ClinVar aggregate classification (germline): Uncertain significance (1 of 4 stars; one submission).

Submission:

Greenwood Genetic Center Diagnostic Laboratories, Greenwood Genetic Center
Classification: Uncertain significance. Last evaluated: 2023-11-08. Review status: criteria provided, single submitter. Criteria: ACMG Guidelines, 2015. Collection method: clinical testing. Allele origin: germline. Affected: yes.
Comment: PM2

NM_014921.5(ADGRL1):c.4131C>A (p.Asp1377Glu)

Genes: ADGRL1 (adhesion G protein-coupled receptor L1; minus strand), ADGRL1-AS1 (ADGRL1 antisense RNA 1; plus strand). Cytogenetic location: 19p13.12.
Variant type: single nucleotide variant.
Coding change: c.4131C>A on transcript NM_014921.5 (MANE Select); coding-DNA position 4131, C replaced by A.
Protein change: p.Asp1377Glu; replaces aspartic acid 1377 with glutamic acid.
Molecular consequence: missense variant.
Genome position (GRCh38, 1-based): chr19:14,151,152, G>T on the plus strand (C>A on the coding strand, the complement: ADGRL1 is on the minus strand). VCF-style: chr19-14151152-G-T. GRCh37 (hg19) VCF-style: chr19-14261964-G-T.
Other names: c.4146C>A, p.Asp1382Glu (NM_001008701.3); short protein forms D1377E, D1382E.
Identifiers: ClinVar variation 2692453 (VCV002692453.1), dbSNP rs2512698107, ClinGen allele CA404384760.